The following is an entry in ClinVar:

NM_001458.5(FLNC):c.2171G>A (p.Gly724Asp)

Gene: FLNC (filamin C; plus strand). Cytogenetic location: 7q32.1.
Variant type: single nucleotide variant.
Coding change: c.2171G>A on transcript NM_001458.5 (MANE Select); coding-DNA position 2171, G replaced by A.
Protein change: p.Gly724Asp; replaces glycine 724 with aspartic acid.
Molecular consequence: missense variant.
Genome position (GRCh38, 1-based): chr7:128,842,280, G>A. VCF-style: chr7-128842280-G-A. GRCh37 (hg19) VCF-style: chr7-128482334-G-A.
Other names: c.2171G>A, p.Gly724Asp (NM_001127487.2); short protein forms G724D.
Identifiers: ClinVar variation 471999 (VCV000471999.11), dbSNP rs1554398553, ClinGen allele CA369228902.

ClinVar aggregate classification (germline): Uncertain significance. Review status: criteria provided, multiple submitters, no conflicts (2 of 4 stars). 2 submissions from 2 submitters: Uncertain significance (2). Last evaluated 2026-01-23.

Conditions:
Myofibrillar myopathy 5. Also called: Filaminopathy (type); FILAMINOPATHY, AUTOSOMAL DOMINANT. Identifiers: Orphanet 171445, MedGen C1836050, MONDO:0012289, OMIM 609524.
Distal myopathy with posterior leg and anterior hand involvement. Also called: WILLIAMS DISTAL MYOPATHY. Identifiers: Orphanet 63273, MedGen C3279722, MONDO:0013550, OMIM 614065.
Hypertrophic cardiomyopathy 26. Also called: Cardiomyopathy, familial hypertrophic, 26. Identifiers: Orphanet 75249, MedGen C4310749, MONDO:0014883, OMIM 617047.

Allele frequency attached by ClinVar (database versions not stated): gnomAD exomes below 0.00001.
gnomAD v4.1: 1 of 1,613,748 alleles (0.000062%); highest among the groups gnomAD compares: African/African-American, 0.0013%; no homozygotes.

Submissions (2):

GeneDx
Classification: Uncertain significance. Last evaluated: 2026-01-23. Review status: criteria provided, single submitter. Criteria: GeneDx Variant Classification Process June 2021. Collection method: clinical testing. Allele origin: germline.
Comment: Has not been previously published as pathogenic or benign to our knowledge; Not observed at significant frequency in large population cohorts (gnomAD); In silico analysis supports that this missense variant has a deleterious effect on protein structure/function

Labcorp Genetics (formerly Invitae), Labcorp
Classification: Uncertain significance for Distal myopathy with posterior leg and anterior hand involvement; Myofibrillar myopathy 5; Hypertrophic cardiomyopathy 26. Last evaluated: 2023-10-28. Review status: criteria provided, single submitter. Criteria: Invitae Variant Classification Sherloc (09022015). Collection method: clinical testing. Allele origin: germline.
Comment: This sequence change replaces glycine, which is neutral and non-polar, with aspartic acid, which is acidic and polar, at codon 724 of the FLNC protein (p.Gly724Asp). This variant is not present in population databases (gnomAD no frequency). This variant has not been reported in the literature in individuals affected with FLNC-related conditions. ClinVar contains an entry for this variant (Variation ID: 471999). Advanced modeling of protein sequence and biophysical properties (such as structural, functional, and spatial information, amino acid conservation, physicochemical variation, residue mobility, and thermodynamic stability) has been performed at Invitae for this missense variant, however the output from this modeling did not meet the statistical confidence thresholds required to predict the impact of this variant on FLNC protein function. In summary, the available evidence is currently insufficient to determine the role of this variant in disease. Therefore, it has been classified as a Variant of Uncertain Significance.